The following is an entry in ClinVar:

NM_001277115.2(DNAH11):c.1296C>A (p.Asn432Lys)

Gene: DNAH11 (dynein axonemal heavy chain 11; plus strand). Cytogenetic location: 7p15.3.
Variant type: single nucleotide variant.
Coding change: c.1296C>A on transcript NM_001277115.2 (MANE Select); coding-DNA position 1296, C replaced by A.
Protein change: p.Asn432Lys; replaces asparagine 432 with lysine.
Molecular consequence: missense variant.
Genome position (GRCh38, 1-based): chr7:21,570,170, C>A. VCF-style: chr7-21570170-C-A. GRCh37 (hg19) VCF-style: chr7-21609788-C-A.
Other names: c.1296C>A (NM_001277115.1); short protein forms N432K.
Identifiers: ClinVar variation 1437280 (VCV001437280.7), dbSNP rs1783828997, ClinGen allele CA366934742.
Genomic context (GRCh38, chr7:21,570,170, plus strand): 5'-AATAGAAGAGTCACTGGAAAAGGTGCAGGTGGCTGTTAACATCTTAAAGACTTTCAAAAA[C>A]TCCTTTTTCAACTATAGAAAAAAATTGGCAAGCTACTTTATGGGAAGAAAGCTGAGACCA-3'
Protein context (NP_001264044.1, residues 422-442): VAVNILKTFK[Asn432Lys]SFFNYRKKLA

ClinVar aggregate classification (germline): Uncertain significance. Review status: criteria provided, multiple submitters, no conflicts (2 of 4 stars). 2 submissions from 2 submitters: Uncertain significance (2). Last evaluated 2025-12-19.

Conditions:
Primary ciliary dyskinesia. Also called: Ciliary dyskinesia. Identifiers: Orphanet 244, MedGen C0008780, MONDO:0016575, HP:0012265.

gnomAD v4.1: 4 of 1,613,450 alleles (0.00025%); highest among the groups gnomAD compares: South Asian, 0.0044%; no homozygotes.

Submissions (2):

Ambry Genetics
Classification: Uncertain significance for Primary ciliary dyskinesia. Last evaluated: 2025-12-19. Review status: criteria provided, single submitter. Criteria: Ambry Variant Classification Scheme 2023. Collection method: clinical testing. Allele origin: germline.
Comment: The p.N432K variant (also known as c.1296C>A), located in coding exon 7 of the DNAH11 gene, results from a C to A substitution at nucleotide position 1296. The asparagine at codon 432 is replaced by lysine, an amino acid with similar properties. This amino acid position is conserved. In addition, this alteration is predicted to be tolerated by in silico analysis. Based on the available evidence, the clinical significance of this variant remains unclear.

Labcorp Genetics (formerly Invitae), Labcorp
Classification: Uncertain significance for Primary ciliary dyskinesia. Last evaluated: 2021-09-17. Review status: criteria provided, single submitter. Criteria: Invitae Variant Classification Sherloc (09022015). Collection method: clinical testing. Allele origin: germline.
Comment: This variant has not been reported in the literature in individuals affected with DNAH11-related conditions. This variant is not present in population databases (ExAC no frequency). This sequence change replaces asparagine with lysine at codon 432 of the DNAH11 protein (p.Asn432Lys). The asparagine residue is moderately conserved and there is a moderate physicochemical difference between asparagine and lysine. Advanced modeling of protein sequence and biophysical properties (such as structural, functional, and spatial information, amino acid conservation, physicochemical variation, residue mobility, and thermodynamic stability) performed at Invitae indicates that this missense variant is not expected to disrupt DNAH11 protein function. In summary, the available evidence is currently insufficient to determine the role of this variant in disease. Therefore, it has been classified as a Variant of Uncertain Significance.